The following is an entry in ClinVar:

NM_001136193.2(FASTKD2):c.1559T>C (p.Leu520Pro)

Gene: FASTKD2 (FAST kinase domains 2; plus strand). Cytogenetic location: 2q33.3.
Variant type: single nucleotide variant.
Coding change: c.1559T>C on transcript NM_001136193.2 (MANE Select); coding-DNA position 1559, T replaced by C.
Protein change: p.Leu520Pro; replaces leucine 520 with proline.
Molecular consequence: missense variant.
Genome position (GRCh38, 1-based): chr2:206,786,864, T>C. VCF-style: chr2-206786864-T-C. GRCh37 (hg19) VCF-style: chr2-207651588-T-C.
Other names: c.1559T>C (NM_014929.3); c.1559T>C, p.Leu520Pro (NM_001136194.2, NM_014929.4); short protein forms L520P.
Identifiers: ClinVar variation 1944269 (VCV001944269.6), dbSNP rs533213706, ClinGen allele CA2075194.

ClinVar aggregate classification (germline): Uncertain significance. Review status: criteria provided, multiple submitters, no conflicts (2 of 4 stars). 2 submissions from 2 submitters: Uncertain significance (2). Last evaluated 2025-10-01.

Conditions:
Inborn genetic diseases. Identifiers: MedGen C0950123, MeSH D030342.

gnomAD v4.1: 4 of 1,610,358 alleles (0.00025%); highest among the groups gnomAD compares: Non-Finnish European, 0.00034%; no homozygotes.

Submissions (2):

Labcorp Genetics (formerly Invitae), Labcorp
Classification: Uncertain significance. Last evaluated: 2025-10-01. Review status: criteria provided, single submitter. Criteria: Invitae Variant Classification Sherloc (09022015). Collection method: clinical testing. Allele origin: germline.
Comment: This sequence change replaces leucine, which is neutral and non-polar, with proline, which is neutral and non-polar, at codon 520 of the FASTKD2 protein (p.Leu520Pro). This variant is present in population databases (rs533213706, gnomAD 0.0009%). This variant has not been reported in the literature in individuals affected with FASTKD2-related conditions. ClinVar contains an entry for this variant (Variation ID: 1944269). Invitae Evidence Modeling of protein sequence and biophysical properties (such as structural, functional, and spatial information, amino acid conservation, physicochemical variation, residue mobility, and thermodynamic stability) indicates that this missense variant is expected to disrupt FASTKD2 protein function with a positive predictive value of 80%. In summary, the available evidence is currently insufficient to determine the role of this variant in disease. Therefore, it has been classified as a Variant of Uncertain Significance.

Ambry Genetics
Classification: Uncertain significance for Inborn genetic diseases. Last evaluated: 2025-04-03. Review status: criteria provided, single submitter. Criteria: Ambry Variant Classification Scheme 2023. Collection method: clinical testing. Allele origin: germline.